The following is an entry in ClinVar:

ClinVar aggregate classification (germline): Uncertain significance. Review status: criteria provided, multiple submitters, no conflicts (2 of 4 stars). 2 submissions from 2 submitters: Uncertain significance (2). Last evaluated 2026-07-07.

Conditions:
Hereditary cancer-predisposing syndrome. Also called: Hereditary Cancer Syndrome; Hereditary neoplastic syndrome; Neoplastic Syndromes, Hereditary; Tumor predisposition. Identifiers: Orphanet 140162, MedGen C0027672, MeSH D009386, MONDO:0015356.
Pheochromocytoma/paraganglioma syndrome 5. Also called: Paragangliomas 5; SDHA-Related Hereditary Paraganglioma-Pheochromocytoma Syndrome. Identifiers: Orphanet 29072, MedGen C3279992, MONDO:0013602, OMIM 614165.
Mitochondrial complex II deficiency, nuclear type 1. Also called: SUCCINATE CoQ REDUCTASE DEFICIENCY. Identifiers: Orphanet 3208, MedGen C5700310, MONDO:0100294, OMIM 252011.

Submissions (2):

Ambry Genetics
Classification: Uncertain significance for Hereditary cancer-predisposing syndrome. Last evaluated: 2026-07-07. Review status: criteria provided, single submitter. Criteria: Ambry Variant Classification Scheme 2023. Collection method: clinical testing. Allele origin: germline.
Comment: The p.N155D variant (also known as c.463A>G), located in coding exon 5 of the SDHA gene, results from an A to G substitution at nucleotide position 463. The asparagine at codon 155 is replaced by aspartic acid, an amino acid with highly similar properties. This amino acid position is conserved. In addition, this alteration is predicted to be tolerated by in silico analysis. Based on the available evidence, the clinical significance of this variant remains unclear.

Labcorp Genetics (formerly Invitae), Labcorp
Classification: Uncertain significance for Pheochromocytoma/paraganglioma syndrome 5; Mitochondrial complex II deficiency, nuclear type 1. Last evaluated: 2025-03-30. Review status: criteria provided, single submitter. Criteria: Invitae Variant Classification Sherloc (09022015). Collection method: clinical testing. Allele origin: germline.
Comment: This sequence change replaces asparagine, which is neutral and polar, with aspartic acid, which is acidic and polar, at codon 155 of the SDHA protein (p.Asn155Asp). This variant is not present in population databases (gnomAD no frequency). This variant has not been reported in the literature in individuals affected with SDHA-related conditions. Invitae Evidence Modeling of protein sequence and biophysical properties (such as structural, functional, and spatial information, amino acid conservation, physicochemical variation, residue mobility, and thermodynamic stability) indicates that this missense variant is not expected to disrupt SDHA protein function with a negative predictive value of 95%. In summary, the available evidence is currently insufficient to determine the role of this variant in disease. Therefore, it has been classified as a Variant of Uncertain Significance.

NM_004168.4(SDHA):c.463A>G (p.Asn155Asp)

Gene: SDHA (succinate dehydrogenase complex flavoprotein subunit A; plus strand). Cytogenetic location: 5p15.33.
Variant type: single nucleotide variant.
Coding change: c.463A>G on transcript NM_004168.4 (MANE Select); coding-DNA position 463, A replaced by G.
Protein change: p.Asn155Asp; replaces asparagine 155 with aspartic acid.
Molecular consequence: missense variant.
Genome position (GRCh38, 1-based): chr5:225,889, A>G. VCF-style: chr5-225889-A-G. GRCh37 (hg19) VCF-style: chr5-226004-A-G.
Other names: c.319A>G, p.Asn107Asp (NM_001294332.2); c.463A>G, p.Asn155Asp (NM_001330758.2); c.463A>G (NM_004168.2); short protein forms N155D, N107D.
Identifiers: ClinVar variation 4788256 (VCV004788256.2).